The following is an entry in ClinVar:

NM_000548.5(TSC2):c.5302G>A (p.Val1768Met)

Gene: TSC2 (TSC complex subunit 2; plus strand). Cytogenetic location: 16p13.3.
Variant type: single nucleotide variant.
Coding change: c.5302G>A on transcript NM_000548.5 (MANE Select); coding-DNA position 5302, G replaced by A.
Protein change: p.Val1768Met; replaces valine 1768 with methionine.
Molecular consequence: missense variant.
Genome position (GRCh38, 1-based): chr16:2,088,488, G>A. VCF-style: chr16-2088488-G-A. GRCh37 (hg19) VCF-style: chr16-2138489-G-A.
Other names: c.4993G>A, p.Val1665Met (NM_001318827.2); c.4957G>A, p.Val1653Met (NM_001318829.2); c.4570G>A, p.Val1524Met (NM_001318831.2); c.5134G>A, p.Val1712Met (NM_001318832.2); c.5104G>A, p.Val1702Met (NM_001363528.2); c.5170G>A, p.Val1724Met (NM_001370404.1); c.5161G>A, p.Val1721Met (NM_001370405.1); c.5173G>A, p.Val1725Met (NM_021055.3); and 2 more; short protein forms V1524M, V1653M, V1665M, V1701M, V1702M, V1712M, V1721M, V1724M.
Identifiers: ClinVar variation 1303839 (VCV001303839.6), dbSNP rs2151639120, ClinGen allele CA394315354.

ClinVar aggregate classification (germline): Conflicting classifications of pathogenicity. Review status: criteria provided, conflicting classifications (1 of 4 stars). 3 submissions from 3 submitters: Uncertain significance (2); Likely benign (1). Last evaluated 2025-03-13.

Conditions:
Hereditary cancer-predisposing syndrome. Also called: Neoplastic Syndromes, Hereditary; Hereditary Cancer Syndrome; Tumor predisposition; Hereditary neoplastic syndrome. Identifiers: Orphanet 140162, MedGen C0027672, MeSH D009386, MONDO:0015356.
Tuberous sclerosis 2 (TSC2). Identifiers: Orphanet 805, MedGen C1860707, MONDO:0013199, OMIM 613254.

Submissions (3):

Ambry Genetics
Classification: Likely benign for Hereditary cancer-predisposing syndrome. Last evaluated: 2025-03-13. Review status: criteria provided, single submitter. Criteria: Ambry Variant Classification Scheme 2023. Collection method: clinical testing. Allele origin: germline.

Labcorp Genetics (formerly Invitae), Labcorp
Classification: Uncertain significance for Tuberous sclerosis 2. Last evaluated: 2024-02-18. Review status: criteria provided, single submitter. Criteria: Invitae Variant Classification Sherloc (09022015). Collection method: clinical testing. Allele origin: germline.
Comment: This sequence change replaces valine, which is neutral and non-polar, with methionine, which is neutral and non-polar, at codon 1768 of the TSC2 protein (p.Val1768Met). This variant is not present in population databases (gnomAD no frequency). This variant has not been reported in the literature in individuals affected with TSC2-related conditions. ClinVar contains an entry for this variant (Variation ID: 1303839). Advanced modeling of protein sequence and biophysical properties (such as structural, functional, and spatial information, amino acid conservation, physicochemical variation, residue mobility, and thermodynamic stability) performed at Invitae indicates that this missense variant is not expected to disrupt TSC2 protein function with a negative predictive value of 95%. Algorithms developed to predict the effect of sequence changes on RNA splicing suggest that this variant may create or strengthen a splice site. In summary, the available evidence is currently insufficient to determine the role of this variant in disease. Therefore, it has been classified as a Variant of Uncertain Significance.

GeneDx
Classification: Uncertain significance. Last evaluated: 2019-08-16. Review status: criteria provided, single submitter. Criteria: GeneDx Variant Classification Process June 2021. Collection method: clinical testing. Allele origin: germline. Affected: yes.
Comment: Not observed in large population cohorts (Lek et al., 2016); In silico analysis, which includes protein predictors and evolutionary conservation, supports that this variant does not alter protein structure/function; Has not been previously published as pathogenic or benign to our knowledge